The following is an entry in ClinVar:

ClinVar aggregate classification (germline): Likely benign. Review status: criteria provided, multiple submitters, no conflicts (2 of 4 stars). 2 submissions from 2 submitters: Likely benign (2). Last evaluated 2026-06-17.

Conditions:
TCIRG1-related disorder. Also called: TCIRG1-related condition.

Allele frequency attached by ClinVar (database versions not stated): ExAC 0.00006.

Submissions (2):

PreventionGenetics, part of Exact Sciences
Classification: Likely benign for TCIRG1-related condition. Last evaluated: 2026-06-17. Review status: criteria provided, single submitter. Criteria: ACMG Guidelines, 2015. Collection method: clinical testing. Allele origin: germline.
Comment: This variant is classified as likely benign based on ACMG/AMP sequence variant interpretation guidelines (Richards et al. 2015 PMID: 25741868, with internal and published modifications).

Labcorp Genetics (formerly Invitae), Labcorp
Classification: Likely benign. Last evaluated: 2023-01-25. Review status: criteria provided, single submitter. Criteria: Invitae Variant Classification Sherloc (09022015). Collection method: clinical testing. Allele origin: germline.

NM_006019.4(TCIRG1):c.450G>A (p.Glu150=)

Gene: TCIRG1 (T cell immune regulator 1, ATPase H+ transporting V0 subunit a3; plus strand). Cytogenetic location: 11q13.2.
Variant type: single nucleotide variant.
Coding change: c.450G>A on transcript NM_006019.4 (MANE Select); coding-DNA position 450, G replaced by A.
Protein change: p.Glu150=; no amino-acid change (glutamic acid 150 retained).
Molecular consequence: synonymous variant. On other transcripts: 5 prime UTR variant (1).
Genome position (GRCh38, 1-based): chr11:68,042,978, G>A. VCF-style: chr11-68042978-G-A. GRCh37 (hg19) VCF-style: chr11-67810445-G-A.
Other names: c.-800G>A (NM_001351059.2); c.450G>A (NM_006019.3).
Identifiers: ClinVar variation 3015939 (VCV003015939.4), dbSNP rs750129963, ClinGen allele CA6146720.